The following is an entry in ClinVar:

NM_001199397.3(NEK1):c.2249C>T (p.Ala750Val)

Gene: NEK1 (NIMA related kinase 1; minus strand). Cytogenetic location: 4q33.
Variant type: single nucleotide variant.
Coding change: c.2249C>T on transcript NM_001199397.3 (MANE Select); coding-DNA position 2249, C replaced by T.
Protein change: p.Ala750Val; replaces alanine 750 with valine.
Molecular consequence: missense variant. On other transcripts: non-coding transcript variant (1).
Genome position (GRCh38, 1-based): chr4:169,477,309, G>A on the plus strand (C>T on the coding strand, the complement: NEK1 is on the minus strand). VCF-style: chr4-169477309-G-A. GRCh37 (hg19) VCF-style: chr4-170398460-G-A.
Other names: c.2117C>T, p.Ala706Val (NM_001199398.3, NM_001440622.1); c.1958C>T, p.Ala653Val (NM_001199399.3); c.2033C>T, p.Ala678Val (NM_001199400.3, NM_001440623.1); c.2249C>T, p.Ala750Val (NM_001374418.1, NM_001440620.1); c.2165C>T, p.Ala722Val (NM_001374419.1, NM_001440621.1, NM_012224.4); c.2114C>T, p.Ala705Val (NM_001374420.1); c.1943C>T, p.Ala648Val (NM_001374421.1); c.1544C>T, p.Ala515Val (NM_001440624.1); and 1 more; short protein forms A471V, A515V, A648V, A653V, A706V, A678V, A705V, A750V.
Identifiers: ClinVar variation 4740959 (VCV004740959.1).
Genomic context (GRCh38, chr4:169,477,309, plus strand): 5'-TCATGAACATTTATCTCAAAAGTATCAGAGAGATTCTGCTTTCCTTTTTCATCTTCTTGA[G>A]CTTTAAGATTTTCATTTAATCTACGAAGTATTTCTCGCTTACTCTGAAAGTCACGACATT-3'
Protein context (NP_001186326.1, residues 740-760): ILRRLNENLK[Ala750Val]QEDEKGKQNL

ClinVar aggregate classification (germline): Uncertain significance (1 of 4 stars; one submission).

Conditions:
Short-rib thoracic dysplasia 6 with or without polydactyly (SRTD6). Also called: Majewski Syndrome; SHORT RIB-POLYDACTYLY SYNDROME, TYPE IIA; SHORT-RIB THORACIC DYSPLASIA 6 WITH POLYDACTYLY; SHORT-RIB THORACIC DYSPLASIA 6 WITHOUT POLYDACTYLY; POLYDACTYLY WITH NEONATAL CHONDRODYSTROPHY, TYPE II. Identifiers: MedGen C0024507, MONDO:0009894, OMIM 263520.

Submission:

Labcorp Genetics (formerly Invitae), Labcorp
Classification: Uncertain significance for Short-rib thoracic dysplasia 6 with or without polydactyly. Last evaluated: 2025-07-21. Review status: criteria provided, single submitter. Criteria: Invitae Variant Classification Sherloc (09022015). Collection method: clinical testing. Allele origin: germline.
Comment: This sequence change replaces alanine, which is neutral and non-polar, with valine, which is neutral and non-polar, at codon 722 of the NEK1 protein (p.Ala722Val). This variant is not present in population databases (gnomAD no frequency). This variant has not been reported in the literature in individuals affected with NEK1-related conditions. Invitae Evidence Modeling of protein sequence and biophysical properties (such as structural, functional, and spatial information, amino acid conservation, physicochemical variation, residue mobility, and thermodynamic stability) indicates that this missense variant is not expected to disrupt NEK1 protein function with a negative predictive value of 80%. In summary, the available evidence is currently insufficient to determine the role of this variant in disease. Therefore, it has been classified as a Variant of Uncertain Significance.